The following is an entry in ClinVar:

ClinVar aggregate classification (germline): Pathogenic (1 of 4 stars; one submission).

Conditions:
Autosomal recessive nonsyndromic hearing loss 4 (DFNB4). Also called: Deafness, autosomal recessive 4; FOXI1-Related Pendred Syndrome; KCNJ10-Related Pendred Syndrome; DEAFNESS, AUTOSOMAL RECESSIVE 4, WITH ENLARGED VESTIBULAR AQUEDUCT, DIGENIC; NEUROSENSORY NONSYNDROMIC RECESSIVE DEAFNESS 4; Nonsyndromic enlarged vestibular aqueduct (NSEVA). Identifiers: Orphanet 90636, MedGen C3538946, MONDO:0010933, OMIM 600791.

Submission:

Institute of Rare Diseases, West China Hospital, Sichuan University
Classification: Pathogenic for Autosomal recessive nonsyndromic hearing loss 4. Last evaluated: 2025-01-09. Review status: criteria provided, single submitter. Criteria: ClinGen HL ACMG Specifications v1. Collection method: research. Allele origin: germline. Affected: yes.
Comment: PVS1;PM3;PP1;PM2_Supporting

NM_000441.2(SLC26A4):c.1103del (p.Gly368fs)

Gene: SLC26A4 (solute carrier family 26 member 4; plus strand). Cytogenetic location: 7q22.3.
Variant type: Deletion.
Coding change: c.1103del on transcript NM_000441.2 (MANE Select); coding-DNA position 1103, one base deleted (G; older notation c.1103delG).
Protein change: p.Gly368fs; shifts the reading frame from glycine 368.
Molecular consequence: frameshift variant.
Genome position (GRCh38, 1-based): chr7:107,689,154, G deleted; the last of 2 consecutive G bases (chr7:107,689,153-107,689,154); deleting either gives the same sequence. VCF-style (leftmost placement, unchanged base first): chr7-107689152-AG-A. GRCh37 (hg19) VCF-style: chr7-107329597-AG-A.
Other names: short protein forms G368fs.
Identifiers: ClinVar variation 3601728 (VCV003601728.1).